The following is an entry in ClinVar:

NM_001029998.6(SLC10A7):c.18A>C (p.Arg6Ser)

Gene: SLC10A7 (solute carrier family 10 member 7; minus strand). Cytogenetic location: 4q31.22.
Variant type: single nucleotide variant.
Coding change: c.18A>C on transcript NM_001029998.6 (MANE Select); coding-DNA position 18, A replaced by C.
Protein change: p.Arg6Ser; replaces arginine 6 with serine.
Molecular consequence: missense variant. On other transcripts: non-coding transcript variant (1).
Genome position (GRCh38, 1-based): chr4:146,521,700, T>G on the plus strand (A>C on the coding strand, the complement: SLC10A7 is on the minus strand). VCF-style: chr4-146521700-T-G. GRCh37 (hg19) VCF-style: chr4-147442852-T-G.
Other names: c.18A>C, p.Arg6Ser (NM_001300842.3, NM_001317816.2, NM_001317817.2 and 2 more transcripts); c.18A>C (NM_001300842.2); short protein forms R6S.
Identifiers: ClinVar variation 1544510 (VCV001544510.10), dbSNP rs116538438, ClinGen allele CA3096973.

ClinVar aggregate classification (germline): Benign. Review status: criteria provided, single submitter (1 of 4 stars). 2 submissions from 2 submitters: Benign (1). 1 of the submissions does not count toward it. Last evaluated 2025-06-12.

Conditions:
SLC10A7-related disorder. Also called: SLC10A7-related condition.

Allele frequency attached by ClinVar (database versions not stated): gnomAD exomes 0.00031 and 0.00084; ExAC 0.00112; gnomAD 0.00339 and 0.00360; TOPMed 0.00354; ESP Exome Variant Server 0.00361; 1000 Genomes Project 0.00419; 1000 Genomes Project 30x 0.00468.
gnomAD v4.1: 988 of 1,614,156 alleles (0.061%); highest among the groups gnomAD compares: African/African-American, 1.2%; 5 homozygotes.

Submissions (2):

Labcorp Genetics (formerly Invitae), Labcorp
Classification: Benign. Last evaluated: 2025-06-12. Review status: criteria provided, single submitter. Criteria: Invitae Variant Classification Sherloc (09022015). Collection method: clinical testing. Allele origin: germline.

PreventionGenetics, part of Exact Sciences
Classification: Benign for SLC10A7-related condition. Last evaluated: 2019-03-25. Review status: no assertion criteria provided. Collection method: clinical testing. Allele origin: germline. Not counted in ClinVar's aggregate classification.
Comment: This variant is classified as benign based on ACMG/AMP sequence variant interpretation guidelines (Richards et al. 2015 PMID: 25741868, with internal and published modifications).